The following is an entry in ClinVar:

NM_001170738.2(IQSEC3):c.1992-5T>A

Genes: IQSEC3 (IQ motif and Sec7 domain ArfGEF 3; plus strand), LOC574538 (uncharacterized LOC574538; minus strand). Cytogenetic location: 12p13.33.
Variant type: single nucleotide variant.
Coding change: c.1992-5T>A on transcript NM_001170738.2 (MANE Select); 5 bases into the intron before coding-DNA position 1992, T replaced by A.
Molecular consequence: intron variant. On other transcripts: non-coding transcript variant (1).
Genome position (GRCh38, 1-based): chr12:141,119, T>A. VCF-style: chr12-141119-T-A. GRCh37 (hg19) VCF-style: chr12-250285-T-A.
Other names: c.1083-5T>A (NM_015232.2).
Identifiers: ClinVar variation 3056513 (VCV003056513.2), dbSNP rs782257201, ClinGen allele CA477768355.

ClinVar aggregate classification (germline): Likely benign (0 of 4 stars; one submission).

Conditions:
IQSEC3-related disorder. Also called: IQSEC3-related condition.

Submission:

PreventionGenetics, part of Exact Sciences
Classification: Likely benign for IQSEC3-related condition. Last evaluated: 2023-06-05. Review status: no assertion criteria provided. Collection method: clinical testing. Allele origin: germline.
Comment: This variant is classified as likely benign based on ACMG/AMP sequence variant interpretation guidelines (Richards et al. 2015 PMID: 25741868, with internal and published modifications).